The following is an entry in ClinVar:

NM_000789.4(ACE):c.1459C>T (p.Arg487Cys)

Gene: ACE (angiotensin I converting enzyme; plus strand). Cytogenetic location: 17q23.3.
Variant type: single nucleotide variant.
Coding change: c.1459C>T on transcript NM_000789.4 (MANE Select); coding-DNA position 1459, C replaced by T.
Protein change: p.Arg487Cys; replaces arginine 487 with cysteine.
Molecular consequence: missense variant.
Genome position (GRCh38, 1-based): chr17:63,483,145, C>T. VCF-style: chr17-63483145-C-T. GRCh37 (hg19) VCF-style: chr17-61560506-C-T.
Other names: short protein forms R487C.
Identifiers: ClinVar variation 888834 (VCV000888834.8), dbSNP rs149784122, ClinGen allele CA8699543.

ClinVar aggregate classification (germline): Conflicting classifications of pathogenicity. Review status: criteria provided, conflicting classifications (1 of 4 stars). 3 submissions from 3 submitters: Uncertain significance (1); Likely benign (2). Last evaluated 2025-12-06.

Conditions:
Renal tubular dysgenesis of genetic origin. Also called: PRIMITIVE RENAL TUBULE SYNDROME. Identifiers: Orphanet 97369, MedGen C5681536, MONDO:0009970, OMIM 267430.
Renal tubular dysgenesis. Also called: Renotubular dysgenesis. Identifiers: Orphanet 3033, MedGen C0266313, MONDO:0017609, HP:0008660.

Allele frequency attached by ClinVar (database versions not stated): gnomAD exomes 0.00011 and 0.00025; ESP Exome Variant Server 0.00015; ExAC 0.00016; TOPMed 0.00017; gnomAD 0.00019.
gnomAD v4.1: 207 of 1,613,934 alleles (0.013%); highest among the groups gnomAD compares: East Asian, 0.02%; no homozygotes.

Submissions (3):

Labcorp Genetics (formerly Invitae), Labcorp
Classification: Likely benign. Last evaluated: 2025-12-06. Review status: criteria provided, single submitter. Criteria: Invitae Variant Classification Sherloc (09022015). Collection method: clinical testing. Allele origin: germline.

Department of Pathology and Laboratory Medicine, Sinai Health System
Classification: Uncertain significance for renal tubular dysgenesis of genetic origin. Last evaluated: 2020-08-26. Review status: criteria provided, single submitter. Criteria: ACMG Guidelines, 2015. Collection method: research. Allele origin: germline.

Illumina Laboratory Services, Illumina
Classification: Likely benign for Renal tubular dysgenesis of genetic origin. Last evaluated: 2017-05-24. Review status: criteria provided, single submitter. Criteria: ICSL Variant Classification Criteria 13 December 2019. Collection method: clinical testing. Allele origin: germline.
Comment: This variant was observed as part of a predisposition screen in an ostensibly healthy population. A literature search was performed for the gene, cDNA change, and amino acid change (where applicable). No publications were found based on this search. Allele frequency data from public databases allowed determination this variant is unlikely to cause disease. Therefore, this variant is classified as likely benign.